The following is an entry in ClinVar:

ClinVar aggregate classification (germline): Likely benign (1 of 4 stars; one submission).

Conditions:
Leukoencephalopathy-thalamus and brainstem anomalies-high lactate syndrome. Also called: LEUKOENCEPHALOPATHY WITH THALAMUS AND BRAINSTEM INVOLVEMENT AND HIGH LACTATE; Combined oxidative phosphorylation deficiency 12. Identifiers: Orphanet 314051, MedGen C4706421, MONDO:0013971, OMIM 614924.

Allele frequency attached by ClinVar (database versions not stated): gnomAD exomes 0.00068; 1000 Genomes Project 0.00319; gnomAD 0.00356 and 0.00379; 1000 Genomes Project 30x 0.00359; TOPMed 0.00371.
gnomAD v4.1: 546 of 158,470 alleles (0.34%); highest among the groups gnomAD compares: African/African-American, 1.2%; 6 homozygotes.

Submission:

Illumina Laboratory Services, Illumina
Classification: Likely benign for Leukoencephalopathy-thalamus and brainstem anomalies-high lactate syndrome. Last evaluated: 2018-01-13. Review status: criteria provided, single submitter. Criteria: ICSL Variant Classification Criteria 13 December 2019. Collection method: clinical testing. Allele origin: germline.
Comment: This variant was observed in the ICSL laboratory as part of a predisposition screen in an ostensibly healthy population. It had not been previously curated by ICSL or reported in the Human Gene Mutation Database (HGMD: prior to June 1st, 2018), and was therefore a candidate for classification through an automated scoring system. Utilizing variant allele frequency, disease prevalence and penetrance estimates, and inheritance mode, an automated score was calculated to assess if this variant is too frequent to cause the disease. Based on the score and internal cut-off values, a variant classified as likely benign is not then subjected to further curation. The score for this variant resulted in a classification of likely benign for this disease.

NM_001083614.2(EARS2):c.*458C>T

Genes: EARS2 (glutamyl-tRNA synthetase 2, mitochondrial; minus strand), GGA2 (golgi associated, gamma adaptin ear containing, ARF binding protein 2; minus strand). Cytogenetic location: 16p12.2.
Variant type: single nucleotide variant.
Coding change: c.*458C>T on transcript NM_001083614.2 (MANE Select); 458 bases downstream of the stop codon, C replaced by T.
Molecular consequence: 3 prime UTR variant. On other transcripts: non-coding transcript variant (1).
Genome position (GRCh38, 1-based): chr16:23,523,913, G>A on the plus strand (C>T on the coding strand, the complement: EARS2 is on the minus strand). VCF-style: chr16-23523913-G-A. GRCh37 (hg19) VCF-style: chr16-23535234-G-A.
Identifiers: ClinVar variation 318533 (VCV000318533.5), dbSNP rs145856944, ClinGen allele CA10643267.
Genomic context (GRCh38, chr16:23,523,913, plus strand): 5'-TGGAGGGAAGACCGCACAAGGACACAGTGAGAAGACAGCTGTCTGCAAGCCAACAAAAGA[G>A]GCCTCTAGGAAAAACCAGGCCTGCTGACACCTTGATCTTGAACTTCTAGCCTCCAAATGT-3'